The following is an entry in ClinVar:

NM_001999.4(FBN2):c.7582A>G (p.Lys2528Glu)

Gene: FBN2 (fibrillin 2; minus strand). Cytogenetic location: 5q23.3.
Variant type: single nucleotide variant.
Coding change: c.7582A>G on transcript NM_001999.4 (MANE Select); coding-DNA position 7582, A replaced by G.
Protein change: p.Lys2528Glu; replaces lysine 2528 with glutamic acid.
Molecular consequence: missense variant.
Genome position (GRCh38, 1-based): chr5:128,276,050, T>C on the plus strand (A>G on the coding strand, the complement: FBN2 is on the minus strand). VCF-style: chr5-128276050-T-C. GRCh37 (hg19) VCF-style: chr5-127611742-T-C.
Other names: short protein forms K2528E.
Identifiers: ClinVar variation 2882140 (VCV002882140.3), dbSNP rs894902794, ClinGen allele CA127021518.

ClinVar aggregate classification (germline): Uncertain significance (1 of 4 stars; one submission).

Conditions:
Congenital contractural arachnodactyly (CCA). Also called: BEALS SYNDROME; Arthrogryposis, distal, type 9; Beals-Hecht syndrome. Identifiers: Orphanet 115, MedGen C0220668, MONDO:0007363, OMIM 121050.

gnomAD v4.1: 3 of 1,613,718 alleles (0.00019%); highest among the groups gnomAD compares: South Asian, 0.0022%; no homozygotes.

Submission:

Labcorp Genetics (formerly Invitae), Labcorp
Classification: Uncertain significance for Congenital contractural arachnodactyly. Last evaluated: 2024-09-26. Review status: criteria provided, single submitter. Criteria: Invitae Variant Classification Sherloc (09022015). Collection method: clinical testing. Allele origin: germline.
Comment: This sequence change replaces lysine, which is basic and polar, with glutamic acid, which is acidic and polar, at codon 2528 of the FBN2 protein (p.Lys2528Glu). This variant is not present in population databases (gnomAD no frequency). This variant has not been reported in the literature in individuals affected with FBN2-related conditions. Invitae Evidence Modeling of protein sequence and biophysical properties (such as structural, functional, and spatial information, amino acid conservation, physicochemical variation, residue mobility, and thermodynamic stability) indicates that this missense variant is not expected to disrupt FBN2 protein function with a negative predictive value of 80%. In summary, the available evidence is currently insufficient to determine the role of this variant in disease. Therefore, it has been classified as a Variant of Uncertain Significance.